The following is an entry in ClinVar:

NM_004336.5(BUB1):c.3053T>G (p.Leu1018Arg)

Gene: BUB1 (BUB1 mitotic checkpoint serine/threonine kinase; minus strand). Cytogenetic location: 2q13.
Variant type: single nucleotide variant.
Coding change: c.3053T>G on transcript NM_004336.5 (MANE Select); coding-DNA position 3053, T replaced by G.
Protein change: p.Leu1018Arg; replaces leucine 1018 with arginine.
Molecular consequence: missense variant.
Genome position (GRCh38, 1-based): chr2:110,639,751, A>C on the plus strand (T>G on the coding strand, the complement: BUB1 is on the minus strand). VCF-style: chr2-110639751-A-C. GRCh37 (hg19) VCF-style: chr2-111397328-A-C.
Other names: c.2993T>G, p.Leu998Arg (NM_001278616.2); c.2882T>G, p.Leu961Arg (NM_001278617.2); short protein forms L1018R, L961R, L998R.
Identifiers: ClinVar variation 3224080 (VCV003224080.1), dbSNP rs773918857, ClinGen allele CA1827640.

ClinVar aggregate classification (germline): Uncertain significance (1 of 4 stars; one submission).

Allele frequency attached by ClinVar (database versions not stated): gnomAD exomes below 0.00001; ExAC 0.00001.
gnomAD v4.1: 5 of 1,611,186 alleles (0.00031%); highest among the groups gnomAD compares: South Asian, 0.0055%; no homozygotes.

Submission:

Ambry Genetics
Classification: Uncertain significance. Last evaluated: 2023-11-23. Review status: criteria provided, single submitter. Criteria: Ambry Variant Classification Scheme 2023. Collection method: clinical testing. Allele origin: germline.
Comment: The p.L1018R variant (also known as c.3053T>G), located in coding exon 24 of the BUB1 gene, results from a T to G substitution at nucleotide position 3053. The leucine at codon 1018 is replaced by arginine, an amino acid with dissimilar properties. This amino acid position is conserved. In addition, this alteration is predicted to be tolerated by in silico analysis. Since supporting evidence is limited at this time, the clinical significance of this alteration remains unclear.